The following is an entry in ClinVar:

ClinVar aggregate classification (germline): Uncertain significance. Review status: criteria provided, multiple submitters, no conflicts (2 of 4 stars). 3 submissions from 3 submitters: Uncertain significance (3). Last evaluated 2025-07-24.

Conditions:
Cardiovascular phenotype. Identifiers: MedGen CN230736.
Catecholaminergic polymorphic ventricular tachycardia 1. Also called: VENTRICULAR TACHYCARDIA, CATECHOLAMINERGIC POLYMORPHIC, 1, WITH OR WITHOUT ATRIAL DYSFUNCTION AND/OR DILATED CARDIOMYOPATHY; RYR2-Related Catecholaminergic Polymorphic Ventricular Tachycardia; VENTRICULAR TACHYCARDIA, STRESS-INDUCED POLYMORPHIC 1. Identifiers: Orphanet 3286, MedGen C1631597, MONDO:0011484, OMIM 604772.
Arrhythmogenic right ventricular dysplasia 2. Identifiers: MedGen C1832931.

Allele frequency attached by ClinVar (database versions not stated): gnomAD exomes below 0.00001; ExAC 0.00001; gnomAD 0.00001; TOPMed 0.00001.
gnomAD v4.1: 5 of 1,613,882 alleles (0.00031%); highest among the groups gnomAD compares: Non-Finnish European, 0.00025%; no homozygotes.

Submissions (3):

Molecular Diagnostic Laboratory for Inherited Cardiovascular Disease, Montreal Heart Institute
Classification: Uncertain significance for Cardiovascular phenotype. Last evaluated: 2025-07-24. Review status: criteria provided, single submitter. Criteria: ACMG Guidelines, 2015. Collection method: clinical testing. Allele origin: germline. Affected: yes.
Comment: PM2, PP2

Labcorp Genetics (formerly Invitae), Labcorp
Classification: Uncertain significance for Catecholaminergic polymorphic ventricular tachycardia 1. Last evaluated: 2023-11-07. Review status: criteria provided, single submitter. Criteria: Invitae Variant Classification Sherloc (09022015). Collection method: clinical testing. Allele origin: germline.
Comment: This sequence change replaces proline, which is neutral and non-polar, with threonine, which is neutral and polar, at codon 774 of the RYR2 protein (p.Pro774Thr). This variant is present in population databases (rs780965490, gnomAD 0.0009%). This variant has not been reported in the literature in individuals affected with RYR2-related conditions. ClinVar contains an entry for this variant (Variation ID: 238228). Advanced modeling of protein sequence and biophysical properties (such as structural, functional, and spatial information, amino acid conservation, physicochemical variation, residue mobility, and thermodynamic stability) performed at Invitae indicates that this missense variant is not expected to disrupt RYR2 protein function with a negative predictive value of 95%. In summary, the available evidence is currently insufficient to determine the role of this variant in disease. Therefore, it has been classified as a Variant of Uncertain Significance.

Fulgent Genetics
Classification: Uncertain significance for Catecholaminergic polymorphic ventricular tachycardia 1. Last evaluated: 2018-10-31. Review status: criteria provided, single submitter. Criteria: ACMG Guidelines, 2015. Collection method: clinical testing. Allele origin: unknown.

NM_001035.3(RYR2):c.2320C>A (p.Pro774Thr)

Gene: RYR2 (ryanodine receptor 2; plus strand). Cytogenetic location: 1q43.
Variant type: single nucleotide variant.
Coding change: c.2320C>A on transcript NM_001035.3 (MANE Select); coding-DNA position 2320, C replaced by A.
Protein change: p.Pro774Thr; replaces proline 774 with threonine.
Molecular consequence: missense variant.
Genome position (GRCh38, 1-based): chr1:237,500,827, C>A. VCF-style: chr1-237500827-C-A. GRCh37 (hg19) VCF-style: chr1-237664127-C-A.
Other names: c.2320C>A, p.Pro774Thr (LRG_402t1); short protein forms P774T.
Identifiers: ClinVar variation 238228 (VCV000238228.12), dbSNP rs780965490, ClinGen allele CA086012.